The following is an entry in ClinVar:

NC_012920.1(MT-TF):m.635C>T

Gene: MT-TF (mitochondrially encoded tRNA phenylalanine; plus strand).
Variant type: single nucleotide variant.
Genome position: chrM-635-C-T.
Identifiers: ClinVar variation 689829 (VCV000689829.1), dbSNP rs1603218471, ClinGen allele CA913175690.
Genomic context (GRCh38, chrMT:635, plus strand): 5'-CAGTTTATGTAGCTTACCTCCTCAAAGCAATACACTGAAAATGTTTAGACGGGCTCACAT[C>T]ACCCCATAAACAAATAGGTTTGGTCCTAGCCTTTCTATTAGCTCTTAGTAAGATTACACA-3'

ClinVar aggregate classification (germline): Benign (1 of 4 stars; one submission).

Conditions:
MELAS syndrome (MELAS). Also called: Juvenile myopathy, encephalopathy, lactic acidosis, stroke. Identifiers: Orphanet 550, MedGen C0162671, MONDO:0010789, OMIM 540000.

Submission:

Wong Mito Lab, Molecular and Human Genetics, Baylor College of Medicine
Classification: Benign for MELAS syndrome. Last evaluated: 2019-07-12. Review status: criteria provided, single submitter. Criteria: Modified ACMG Guidelines (Unpublished). Collection method: clinical testing. Allele origin: germline.
Comment: The NC_012920.1:m.635C>T variant in MT-TF gene is interpreted to be a Benign variant based on the modified ACMG guidelines (unpublished). This variant meets the following evidence codes reported in the guidelines: BS1, BS4, BP4

Literature cited by the submitters: PubMed 31965079.